The following is an entry in ClinVar:

ClinVar aggregate classification (germline): Uncertain significance (1 of 4 stars; one submission).

Conditions:
Inborn genetic diseases. Identifiers: MedGen C0950123, MeSH D030342.

Submission:

Ambry Genetics
Classification: Uncertain significance for Inborn genetic diseases. Last evaluated: 2026-06-17. Review status: criteria provided, single submitter. Criteria: Ambry Variant Classification Scheme 2023. Collection method: clinical testing. Allele origin: germline.
Comment: The p.L831V variant (also known as c.2491C>G), located in coding exon 13 of the ASXL1 gene, results from a C to G substitution at nucleotide position 2491. The leucine at codon 831 is replaced by valine, an amino acid with highly similar properties. This amino acid position is conserved. In addition, this alteration is predicted to be tolerated by in silico analysis. Based on the available evidence, the clinical significance of this variant remains unclear.

NM_015338.6(ASXL1):c.2491C>G (p.Leu831Val)

Gene: ASXL1 (ASXL transcriptional regulator 1; plus strand). Cytogenetic location: 20q11.21.
Variant type: single nucleotide variant.
Coding change: c.2491C>G on transcript NM_015338.6 (MANE Select); coding-DNA position 2491, C replaced by G.
Protein change: p.Leu831Val; replaces leucine 831 with valine.
Molecular consequence: missense variant.
Genome position (GRCh38, 1-based): chr20:32,435,203, C>G. VCF-style: chr20-32435203-C-G. GRCh37 (hg19) VCF-style: chr20-31023006-C-G.
Other names: c.2308C>G, p.Leu770Val (NM_001363734.1); short protein forms L770V, L831V.
Identifiers: ClinVar variation 5029704 (VCV005029704.1).